The following is an entry in ClinVar:

ClinVar aggregate classification (germline): Uncertain significance (1 of 4 stars; one submission).

Allele frequency attached by ClinVar (database versions not stated): gnomAD exomes below 0.00001.
gnomAD v4.1: 3 of 1,614,010 alleles (0.00019%); highest among the groups gnomAD compares: Non-Finnish European, 0.00025%; no homozygotes.

Submission:

Labcorp Genetics (formerly Invitae), Labcorp
Classification: Uncertain significance. Last evaluated: 2024-01-12. Review status: criteria provided, single submitter. Criteria: Invitae Variant Classification Sherloc (09022015). Collection method: clinical testing. Allele origin: germline.
Comment: This sequence change replaces asparagine, which is neutral and polar, with histidine, which is basic and polar, at codon 567 of the KANK1 protein (p.Asn567His). This variant is not present in population databases (gnomAD no frequency). This variant has not been reported in the literature in individuals affected with KANK1-related conditions. Advanced modeling of protein sequence and biophysical properties (such as structural, functional, and spatial information, amino acid conservation, physicochemical variation, residue mobility, and thermodynamic stability) performed at Invitae indicates that this missense variant is not expected to disrupt KANK1 protein function with a negative predictive value of 80%. In summary, the available evidence is currently insufficient to determine the role of this variant in disease. Therefore, it has been classified as a Variant of Uncertain Significance.

NM_015158.5(KANK1):c.1699A>C (p.Asn567His)

Gene: KANK1 (KN motif and ankyrin repeat domains 1; plus strand). Cytogenetic location: 9p24.3.
Variant type: single nucleotide variant.
Coding change: c.1699A>C on transcript NM_015158.5 (MANE Select); coding-DNA position 1699, A replaced by C.
Protein change: p.Asn567His; replaces asparagine 567 with histidine.
Molecular consequence: missense variant. On other transcripts: non-coding transcript variant (1).
Genome position (GRCh38, 1-based): chr9:712,465, A>C. VCF-style: chr9-712465-A-C. GRCh37 (hg19) VCF-style: chr9-712465-A-C.
Other names: c.1699A>C, p.Asn567His (NM_001256876.3, NM_001256877.3, NM_001354331.2 and 2 more transcripts); c.1225A>C, p.Asn409His (NM_001354333.2, NM_153186.6, NM_001354335.2 and 9 more transcripts); short protein forms N567H, N409H.
Identifiers: ClinVar variation 2869521 (VCV002869521.3), dbSNP rs2539741254, ClinGen allele CA372748766.